The following is an entry in ClinVar:

ClinVar aggregate classification (germline): Conflicting classifications of pathogenicity. Review status: criteria provided, conflicting classifications (1 of 4 stars). 4 submissions from 4 submitters: Uncertain significance (3); Likely benign (1). Last evaluated 2025-03-07.

Conditions:
Inborn genetic diseases. Identifiers: MedGen C0950123, MeSH D030342.

Allele frequency attached by ClinVar (database versions not stated): gnomAD 0.00001; TOPMed 0.00001; ExAC 0.00002; gnomAD exomes 0.00002.
gnomAD v4.1: 36 of 1,614,018 alleles (0.0022%); highest among the groups gnomAD compares: Non-Finnish European, 0.003%; no homozygotes.

Submissions (4):

Labcorp Genetics (formerly Invitae), Labcorp
Classification: Likely benign. Last evaluated: 2025-03-07. Review status: criteria provided, single submitter. Criteria: Invitae Variant Classification Sherloc (09022015). Collection method: clinical testing. Allele origin: germline.

Ambry Genetics
Classification: Uncertain significance for Inborn genetic diseases. Last evaluated: 2024-01-30. Review status: criteria provided, single submitter. Criteria: Ambry Variant Classification Scheme 2023. Collection method: clinical testing. Allele origin: germline.

GeneDx
Classification: Uncertain significance. Last evaluated: 2023-01-05. Review status: criteria provided, single submitter. Criteria: GeneDx Variant Classification Process June 2021. Collection method: clinical testing. Allele origin: germline. Affected: yes.
Comment: In silico analysis supports that this missense variant does not alter protein structure/function; Has not been previously published as pathogenic or benign to our knowledge

Blueprint Genetics
Classification: Uncertain significance. Last evaluated: 2022-07-25. Review status: criteria provided, single submitter. Criteria: ACMG Guidelines, 2015. Collection method: clinical testing. Allele origin: germline.

NM_001288705.3(CSF1R):c.1238G>T (p.Gly413Val)

Gene: CSF1R (colony stimulating factor 1 receptor; minus strand). Cytogenetic location: 5q32.
Variant type: single nucleotide variant.
Coding change: c.1238G>T on transcript NM_001288705.3 (MANE Select); coding-DNA position 1238, G replaced by T.
Protein change: p.Gly413Val; replaces glycine 413 with valine.
Molecular consequence: missense variant. On other transcripts: non-coding transcript variant (2).
Genome position (GRCh38, 1-based): chr5:150,070,263, C>A on the plus strand (G>T on the coding strand, the complement: CSF1R is on the minus strand). VCF-style: chr5-150070263-C-A. GRCh37 (hg19) VCF-style: chr5-149449826-C-A.
Other names: c.1238G>T, p.Gly413Val (NM_001349736.2, NM_001375320.1, NM_005211.4); c.794G>T, p.Gly265Val (NM_001375321.1); short protein forms G265V, G413V.
Identifiers: ClinVar variation 2571755 (VCV002571755.5), dbSNP rs751675713, ClinGen allele CA3506896.